The following is an entry in ClinVar:

NM_001393719.1(ATF7IP2):c.1131A>C (p.Thr377=)

Gene: ATF7IP2 (activating transcription factor 7 interacting protein 2; plus strand). Cytogenetic location: 16p13.13.
Variant type: single nucleotide variant.
Coding change: c.1131A>C on transcript NM_001393719.1 (MANE Select); coding-DNA position 1131, A replaced by C.
Protein change: p.Thr377=; no amino-acid change (threonine 377 retained).
Molecular consequence: synonymous variant. On other transcripts: non-coding transcript variant (3).
Genome position (GRCh38, 1-based): chr16:10,440,399, A>C. VCF-style: chr16-10440399-A-C. GRCh37 (hg19) VCF-style: chr16-10534256-A-C.
Other names: c.1131A>C, p.Thr377= (NM_001256160.3, NM_001352120.2, NM_024997.5).
Identifiers: ClinVar variation 2646202 (VCV002646202.24), dbSNP rs377556995, ClinGen allele CA7897359.

ClinVar aggregate classification (germline): Likely benign (1 of 4 stars; one submission).

Allele frequency attached by ClinVar (database versions not stated): ESP Exome Variant Server 0.00008; gnomAD 0.00016; 1000 Genomes Project 30x 0.00109; 1000 Genomes Project 0.00140.
gnomAD v4.1: 212 of 1,566,192 alleles (0.014%); highest among the groups gnomAD compares: South Asian, 0.13%; 2 homozygotes.

Submission:

CeGaT Center for Human Genetics Tuebingen
Classification: Likely benign. Last evaluated: 2022-12-01. Review status: criteria provided, single submitter. Criteria: CeGaT Center For Human Genetics Tuebingen Variant Classification Criteria Version 2. Collection method: clinical testing. Allele origin: germline. Affected: yes. Observed: 1 variant allele.
Comment: ATF7IP2: BP4, BP7